The following is an entry in ClinVar:

NM_000236.3(LIPC):c.799G>T (p.Gly267Cys)

Gene: LIPC (lipase C, hepatic type; plus strand). Cytogenetic location: 15q21.3.
Variant type: single nucleotide variant.
Coding change: c.799G>T on transcript NM_000236.3 (MANE Select); coding-DNA position 799, G replaced by T.
Protein change: p.Gly267Cys; replaces glycine 267 with cysteine.
Molecular consequence: missense variant.
Genome position (GRCh38, 1-based): chr15:58,545,966, G>T. VCF-style: chr15-58545966-G-T. GRCh37 (hg19) VCF-style: chr15-58838165-G-T.
Other names: short protein forms G267C.
Identifiers: ClinVar variation 2728135 (VCV002728135.3), dbSNP rs540524619, ClinGen allele CA7584987.

ClinVar aggregate classification (germline): Uncertain significance (1 of 4 stars; one submission).

Allele frequency attached by ClinVar (database versions not stated): gnomAD 0.00010.
gnomAD v4.1: 31 of 1,612,672 alleles (0.0019%); highest among the groups gnomAD compares: Admixed American, 0.04%; 1 homozygote.

Submission:

Labcorp Genetics (formerly Invitae), Labcorp
Classification: Uncertain significance. Last evaluated: 2025-12-16. Review status: criteria provided, single submitter. Criteria: Invitae Variant Classification Sherloc (09022015). Collection method: clinical testing. Allele origin: germline.
Comment: This sequence change replaces glycine, which is neutral and non-polar, with cysteine, which is neutral and slightly polar, at codon 267 of the LIPC protein (p.Gly267Cys). This variant is present in population databases (rs540524619, gnomAD 0.009%). This variant has not been reported in the literature in individuals affected with LIPC-related conditions. ClinVar contains an entry for this variant (Variation ID: 2728135). An algorithm developed to predict the effect of missense changes on protein structure and function (PolyPhen-2) suggests that this variant is likely to be disruptive. In summary, the available evidence is currently insufficient to determine the role of this variant in disease. Therefore, it has been classified as a Variant of Uncertain Significance.